The following is an entry in ClinVar:

NM_000059.4(BRCA2):c.7331A>T (p.Asp2444Val)

Gene: BRCA2 (BRCA2 DNA repair associated; plus strand). Cytogenetic location: 13q13.1.
Variant type: single nucleotide variant.
Coding change: c.7331A>T on transcript NM_000059.4 (MANE Select); coding-DNA position 7331, A replaced by T.
Protein change: p.Asp2444Val; replaces aspartic acid 2444 with valine.
Molecular consequence: missense variant.
Genome position (GRCh38, 1-based): chr13:32,355,184, A>T. VCF-style: chr13-32355184-A-T. GRCh37 (hg19) VCF-style: chr13-32929321-A-T.
Other names: short protein forms D2444V.
Identifiers: ClinVar variation 140873 (VCV000140873.36), dbSNP rs431825352, ClinGen allele CA025033.
Genomic context (GRCh38, chr13:32,355,184, plus strand): 5'-GGAATATTAACTTGGAGGAAAACAGACAAAAGCAAAACATTGATGGACATGGCTCTGATG[A>T]TAGTAAAAATAAGATTAATGACAATGAGATTCATCAGTTTAACAAAAACAACTCCAATCA-3'
Protein context (NP_000050.3, residues 2434-2454): KQNIDGHGSD[Asp2444Val]SKNKINDNEI

ClinVar aggregate classification (germline): Conflicting classifications of pathogenicity. Review status: criteria provided, conflicting classifications (1 of 4 stars). 12 submissions from 12 submitters: Uncertain significance (5); Likely benign (6). 1 of the submissions does not count toward it. Last evaluated 2026-05-05.

Conditions:
BRCA2-related disorder. Also called: BRCA2-related condition; BRCA2-related disorders. Identifiers: MedGen CN239275.
Hereditary cancer-predisposing syndrome. Also called: Tumor predisposition; Neoplastic Syndromes, Hereditary; Hereditary neoplastic syndrome; Hereditary Cancer Syndrome. Identifiers: Orphanet 140162, MedGen C0027672, MeSH D009386, MONDO:0015356.
Hereditary breast ovarian cancer syndrome. Also called: Hereditary breast and ovarian cancer syndrome; Hereditary breast and ovarian cancer; Hereditary breast and ovarian cancer syndrome (HBOC); Hereditary breast and/or ovarian cancer syndrome; BRCA1- and BRCA2-Associated Hereditary Breast and Ovarian Cancer; Breast and ovarian cancer. Identifiers: Orphanet 145, MedGen C0677776, MeSH D061325, MONDO:0003582. Disease mechanism: loss of function.
Breast-ovarian cancer, familial, susceptibility to, 2 (BROVCA2). Also called: BRCA2 Hereditary Breast and Ovarian Cancer. Identifiers: Orphanet 145, MedGen C2675520, MONDO:0012933, OMIM 612555. Disease mechanism: loss of function.
Malignant tumor of breast. Also called: Malignant breast neoplasm; Cancer breast. Identifiers: MedGen C0006142, MONDO:0007254. Disease mechanism: loss of function.

Allele frequency attached by ClinVar (database versions not stated): gnomAD exomes 0.00004 and 0.00009; ExAC 0.00012; gnomAD below 0.00001 and 0.00004; TOPMed below 0.00001.
gnomAD v4.1: 69 of 1,613,820 alleles (0.0043%); highest among the groups gnomAD compares: South Asian, 0.069%; 1 homozygote.

Submissions (12):

PreventionGenetics, part of Exact Sciences
Classification: Likely benign for BRCA2-related condition. Last evaluated: 2026-05-05. Review status: criteria provided, single submitter. Criteria: ACMG Guidelines, 2015. Collection method: clinical testing. Allele origin: germline.
Comment: This variant is classified as likely benign based on ACMG/AMP sequence variant interpretation guidelines (Richards et al. 2015 PMID: 25741868, with internal and published modifications).

Labcorp Genetics (formerly Invitae), Labcorp
Classification: Likely benign for Hereditary breast ovarian cancer syndrome. Last evaluated: 2025-12-15. Review status: criteria provided, single submitter. Criteria: Invitae Variant Classification Sherloc (09022015). Collection method: clinical testing. Allele origin: germline.

Quest Diagnostics Nichols Institute San Juan Capistrano
Classification: Uncertain significance. Last evaluated: 2025-08-20. Review status: criteria provided, single submitter. Criteria: Quest Diagnostics criteria. Collection method: clinical testing. Allele origin: unknown.
Comment: The BRCA2 c.7331A>T (p.Asp2444Val) variant has been reported in the published literature in individuals with breast and/or ovarian cancer (PMIDs: 29470806 (2018), 32885271 (2021)), as well as in a reportedly unaffected individual (PMID: 31422574 (2019)). The frequency of this variant in the general population (Genome Aggregation Database) is higher than would generally be expected for pathogenic variants in this gene. Analysis of this variant using bioinformatics tools for the prediction of the effect of amino acid changes on protein structure and function yielded predictions that this variant is benign. Based on the available information, we are unable to determine the clinical significance of this variant.

Center for Genomic Medicine, Rigshospitalet, Copenhagen University Hospital
Classification: Likely benign. Last evaluated: 2025-03-04. Review status: criteria provided, single submitter. Criteria: ACMG Guidelines, 2015. Collection method: clinical testing. Allele origin: germline.

GeneDx
Classification: Uncertain significance. Last evaluated: 2025-02-14. Review status: criteria provided, single submitter. Criteria: GeneDx Variant Classification Process June 2021. Collection method: clinical testing. Allele origin: germline. Affected: yes.
Comment: Observed in individuals with history of breast and/or ovarian cancer (PMID: 29470806); In silico analysis indicates that this missense variant does not alter protein structure/function; Also known as 7559A>T; This variant is associated with the following publications: (PMID: 31422574, 32377563, 29884841, 31853058, 29470806)

All of Us Research Program, National Institutes of Health
Classification: Likely benign for Breast-ovarian cancer, familial, susceptibility to, 2. Last evaluated: 2023-11-28. Review status: criteria provided, single submitter. Criteria: ACMG Guidelines, 2015. Collection method: clinical testing. Allele origin: germline. Inheritance: Autosomal dominant inheritance. Observed: 2 variant alleles, 2 heterozygotes.
Comment: This study involves interpretation of variants in research participants for the purpose of population health screening. Participant phenotype was not available at the time of variant classification. Additional details can be found in publication PMID: 35346344, PMCID: PMC8962531

Ambry Genetics
Classification: Likely benign for Hereditary cancer-predisposing syndrome. Last evaluated: 2022-03-29. Review status: criteria provided, single submitter. Criteria: Ambry Variant Classification Scheme 2023. Collection method: clinical testing. Allele origin: germline.

Sema4
Classification: Uncertain significance for Hereditary cancer-predisposing syndrome. Last evaluated: 2021-08-04. Review status: criteria provided, single submitter. Criteria: Sema4 Curation Guidelines. Collection method: curation. Allele origin: germline.
Comment: The BRCA2 c.7331A>T (p.D2444V) variant has been reported in heterozygosity in at least one individual in a cohort of breast and ovarian cancer patients (PMID: 29470806). This variant was observed in 22/30460 chromosomes in the South Asian population, with no homozygotes, according to the Genome Aggregation Database (PMID: 32461654). The variant has been reported in ClinVar (Variation ID 140873). Functional studies have not been performed, and in silico predictions of the variant's effect on protein function are inconclusive. The evidence is insufficient to meet ACMG/AMP criteria for classifying the variant as benign or pathogenic. Thus, the clinical significance of this variant is currently uncertain.

Revvity Omics, Revvity
Classification: Uncertain significance. Last evaluated: 2021-02-09. Review status: criteria provided, single submitter. Criteria: ACMG Guidelines, 2015. Collection method: clinical testing. Allele origin: germline.

Color Diagnostics, LLC DBA Color Health
Classification: Likely benign for Hereditary cancer-predisposing syndrome. Last evaluated: 2020-07-28. Review status: criteria provided, single submitter. Criteria: ACMG Guidelines, 2015. Collection method: clinical testing. Allele origin: germline.

ARUP Laboratories, Molecular Genetics and Genomics, ARUP Laboratories
Classification: Uncertain significance. Last evaluated: 2019-05-13. Review status: criteria provided, single submitter. Criteria: ARUP Molecular Germline Variant Investigation Process. Collection method: clinical testing. Allele origin: germline.
Comment: The BRCA2 c.7331A>T; p.Asp2444Val variant (rs431825352) is reported in the literature in at least one individual in a breast and/or ovarian cancer cohort (Singh 2018). This variant is reported as a variant of uncertain significance by multiple laboratories in ClinVar (Variation ID: 140873), and is found in the South Asian population with an allele frequency of 0.072% (22/30460 alleles) in the Genome Aggregation Database. The aspartic acid at codon 2444 is weakly conserved, and computational analyses (SIFT, PolyPhen-2) predict that this variant is tolerated. Due to limited information, the clinical significance of the p.Asp2444Val variant is uncertain at this time. References: Singh J et al. Screening of over 1000 Indian patients with breast and/or ovarian cancer with a multi-gene panel: prevalence of BRCA1/2 and non-BRCA mutations. Breast Cancer Res Treat. 2018 Jul;170(1):189-196.

Department of Pathology and Laboratory Medicine, Sinai Health System
Classification: Uncertain significance for Malignant tumor of breast. Review status: no assertion criteria provided. Collection method: clinical testing. Allele origin: unknown. Affected: yes. Study: The Canadian Open Genetics Repository (COGR). Not counted in ClinVar's aggregate classification.
Comment: The BRCA2 p.Asp2444Val variant was not identified in the literature nor was it identified in the MutDB, LOVD 3.0, UMD-LSDB, BIC, ARUP Laboratories, Cosmic, and Zhejiang Colon Cancer databases. The variant was identified in dbSNP (ID: rs431825352) as â€šÃ„ÃºUncertain Significance alleleâ€šÃ„Ã¹ and in the ClinVar and Clinvitae databases as uncertain significance by Ambry Genetics and Invitae. The variant was also identified in control databases in 22 of 245620 chromosomes at a frequency of 0.00009 in the following populations: South Asian in 21 of 30616 chromosomes (freq. 0.0007) and Other in 1 of 5476 chromosomes (freq. 0.0002), but was not seen in African, Latino, European Non-Finnish, Ashkenazi Jewish, East Asian, and European Finnish populations increasing the likelihood that this may be a low frequency benign variant in certain populations of origin (Genome Aggregation Consortium Feb 27, 2017)". The p.Asp2444 residue is not conserved in mammals and the variant amino acid (Val) is present in Rattus norvegicus, and four out of five computational analyses (PolyPhen-2, SIFT, AlignGVGD, BLOSUM, MutationTaster) do not suggest a high likelihood of impact to the protein; increasing the likelihood that this variant does not have clinical significance: however, this information is not predictive enough to rule out pathogenicity. The variant occurs outside of the splicing consensus sequence and in silico or computational prediction software programs (SpliceSiteFinder, MaxEntScan, NNSPLICE, GeneSplicer, HumanSpliceFinder) do not predict a difference in splicing. The variant is located with the Breast cancer type 2 susceptibility protein functional domains increasing the likelihood that it may have clinical significance. In summary, based on the above information the clinical significance of this variant cannot be determined with certainty at this time. This variant is classified as a variant of uncertain significance.

Literature cited by the submitters: PubMed 32885271 (cited by Quest Diagnostics Nichols Institute San Juan Capistrano); PubMed 31422574 (cited by Quest Diagnostics Nichols Institute San Juan Capistrano); PubMed 29470806 (cited by 3 submitters).